The following is an entry in ClinVar:

ClinVar aggregate classification (germline): Uncertain significance. Review status: criteria provided, multiple submitters, no conflicts (2 of 4 stars). 2 submissions from 2 submitters: Uncertain significance (2). Last evaluated 2025-04-14.

Conditions:
Inborn genetic diseases. Identifiers: MedGen C0950123, MeSH D030342.

gnomAD v4.1: 20 of 1,609,052 alleles (0.0012%); highest among the groups gnomAD compares: Admixed American, 0.025%; no homozygotes.

Submissions (2):

Ambry Genetics
Classification: Uncertain significance for Inborn genetic diseases. Last evaluated: 2025-04-14. Review status: criteria provided, single submitter. Criteria: Ambry Variant Classification Scheme 2023. Collection method: clinical testing. Allele origin: germline.

Labcorp Genetics (formerly Invitae), Labcorp
Classification: Uncertain significance. Last evaluated: 2024-04-10. Review status: criteria provided, single submitter. Criteria: Invitae Variant Classification Sherloc (09022015). Collection method: clinical testing. Allele origin: germline.
Comment: This sequence change replaces tyrosine, which is neutral and polar, with cysteine, which is neutral and slightly polar, at codon 769 of the POLR1A protein (p.Tyr769Cys). This variant is present in population databases (rs764879351, gnomAD 0.02%). This variant has not been reported in the literature in individuals affected with POLR1A-related conditions. Advanced modeling of protein sequence and biophysical properties (such as structural, functional, and spatial information, amino acid conservation, physicochemical variation, residue mobility, and thermodynamic stability) performed at Invitae indicates that this missense variant is expected to disrupt POLR1A protein function with a positive predictive value of 80%. In summary, the available evidence is currently insufficient to determine the role of this variant in disease. Therefore, it has been classified as a Variant of Uncertain Significance.

NM_015425.6(POLR1A):c.2306A>G (p.Tyr769Cys)

Gene: POLR1A (RNA polymerase I subunit A; minus strand). Cytogenetic location: 2p11.2.
Variant type: single nucleotide variant.
Coding change: c.2306A>G on transcript NM_015425.6 (MANE Select); coding-DNA position 2306, A replaced by G.
Protein change: p.Tyr769Cys; replaces tyrosine 769 with cysteine.
Molecular consequence: missense variant.
Genome position (GRCh38, 1-based): chr2:86,052,903, T>C on the plus strand (A>G on the coding strand, the complement: POLR1A is on the minus strand). VCF-style: chr2-86052903-T-C. GRCh37 (hg19) VCF-style: chr2-86280026-T-C.
Other names: c.2306A>G (NM_015425.3); short protein forms Y769C.
Identifiers: ClinVar variation 3615936 (VCV003615936.3).